The following is an entry in ClinVar:

ClinVar aggregate classification (germline): Uncertain significance (1 of 4 stars; one submission).

Allele frequency attached by ClinVar (database versions not stated): ExAC 0.00002; TOPMed 0.00002; gnomAD 0.00003; gnomAD exomes 0.00003.
gnomAD v4.1: 46 of 1,612,352 alleles (0.0029%); highest among the groups gnomAD compares: Non-Finnish European, 0.0037%; no homozygotes.

Submission:

Labcorp Genetics (formerly Invitae), Labcorp
Classification: Uncertain significance. Last evaluated: 2022-05-12. Review status: criteria provided, single submitter. Criteria: Invitae Variant Classification Sherloc (09022015). Collection method: clinical testing. Allele origin: germline.
Comment: This sequence change replaces alanine, which is neutral and non-polar, with serine, which is neutral and polar, at codon 123 of the SERPINH1 protein (p.Ala123Ser). This variant is present in population databases (rs749500041, gnomAD 0.004%). This variant has not been reported in the literature in individuals affected with SERPINH1-related conditions. Advanced modeling of protein sequence and biophysical properties (such as structural, functional, and spatial information, amino acid conservation, physicochemical variation, residue mobility, and thermodynamic stability) performed at Invitae indicates that this missense variant is not expected to disrupt SERPINH1 protein function. In summary, the available evidence is currently insufficient to determine the role of this variant in disease. Therefore, it has been classified as a Variant of Uncertain Significance.

NM_001235.5(SERPINH1):c.367G>T (p.Ala123Ser)

Gene: SERPINH1 (serpin family H member 1; plus strand). Cytogenetic location: 11q13.5.
Variant type: single nucleotide variant.
Coding change: c.367G>T on transcript NM_001235.5 (MANE Select); coding-DNA position 367, G replaced by T.
Protein change: p.Ala123Ser; replaces alanine 123 with serine.
Molecular consequence: missense variant.
Genome position (GRCh38, 1-based): chr11:75,566,716, G>T. VCF-style: chr11-75566716-G-T. GRCh37 (hg19) VCF-style: chr11-75277761-G-T.
Other names: c.367G>T, p.Ala123Ser (NM_001207014.3); short protein forms A123S.
Identifiers: ClinVar variation 2140677 (VCV002140677.2), dbSNP rs749500041, ClinGen allele CA6190798.